The following is an entry in ClinVar:

ClinVar aggregate classification (germline): Conflicting classifications of pathogenicity. Review status: criteria provided, conflicting classifications (1 of 4 stars). 7 submissions from 7 submitters: Uncertain significance (5); Uncertain risk allele (1); Likely benign (1). Last evaluated 2026-03-13.

Conditions:
HNF1B-related disorder. Also called: HNF1B-related disorders; HNF1B-related condition.
Renal cysts and diabetes syndrome (RCAD). Also called: MATURITY-ONSET DIABETES OF THE YOUNG, TYPE 5; Familial hypoplastic, glomerulocystic kidney. Identifiers: Orphanet 93111, MedGen C0431693, MONDO:0007669, OMIM 137920.
Maturity-onset diabetes of the young (MODY). Also called: Maturity onset diabetes mellitus in young. Identifiers: Orphanet 552, MedGen C0342276, MONDO:0018911, HP:0004904.
Type 2 diabetes mellitus. Also called: Type II diabetes mellitus. Identifiers: MedGen C0011860, MeSH D003924, MONDO:0005148, OMIM 125853, HP:0005978.
Nonpapillary renal cell carcinoma. Identifiers: Orphanet 422526, MedGen CN074294, MONDO:0007763, OMIM 144700.

Allele frequency attached by ClinVar (database versions not stated): gnomAD 0.00001; TOPMed 0.00001; gnomAD exomes 0.00003; ExAC 0.00004.
gnomAD v4.1: 66 of 1,613,144 alleles (0.0041%); highest among the groups gnomAD compares: South Asian, 0.0088%; no homozygotes.

Submissions (7):

PreventionGenetics, part of Exact Sciences
Classification: Uncertain significance for HNF1B-related condition. Last evaluated: 2026-03-13. Review status: criteria provided, single submitter. Criteria: ACMG Guidelines, 2015. Collection method: clinical testing. Allele origin: germline.
Comment: The HNF1B c.1025C>T variant is predicted to result in the amino acid substitution p.Ser342Phe. To our knowledge, this variant has not been reported in the literature. Of note, a different substitution at the same codon, defined as c.1024T>C (p.Ser342Pro), was reported in individuals with HNF1B-related phenotypes (Hwang et al. 2014. PubMed ID: 24429398; Şimşek et al. 2023. PubMed ID: 38054414; van der Ven et al. 2018. PubMed ID: 30143558). The c.1025C>T (p.Ser342Phe) variant is reported in 0.0066% of alleles in individuals of South Asian descent in gnomAD. At this time, the clinical significance of this variant is uncertain due to the absence of conclusive functional and genetic evidence.

GeneDx
Classification: Uncertain significance. Last evaluated: 2023-09-21. Review status: criteria provided, single submitter. Criteria: GeneDx Variant Classification Process June 2021. Collection method: clinical testing. Allele origin: germline. Affected: yes.
Comment: In silico analysis supports that this missense variant has a deleterious effect on protein structure/function; Has not been previously published as pathogenic or benign to our knowledge

Department of Pathology and Laboratory Medicine, Sinai Health System
Classification: Uncertain significance for Type 2 diabetes mellitus; Renal cysts and diabetes syndrome; Nonpapillary renal cell carcinoma. Last evaluated: 2022-10-19. Review status: criteria provided, single submitter. Criteria: ACMG Guidelines, 2015. Collection method: research. Allele origin: germline.

Genetic Services Laboratory, University of Chicago
Classification: Uncertain significance. Last evaluated: 2021-10-25. Review status: criteria provided, single submitter. Criteria: ACMG Guidelines, 2015. Collection method: clinical testing. Allele origin: germline. Affected: no.
Comment: DNA sequence analysis of the HNF1B gene demonstrated a sequence change, c.1025C>T, in exon 4 that results in an amino acid change, p.Ser342Phe. This sequence change has been described in the gnomAD database with a frequency of 0.007% in the South Asian subpopulation (dbSNP rs780035561). The p.Ser342Phe change affects a moderately conserved amino acid residue located in a domain of the HNF1B protein that is known to be functional. In-silico pathogenicity prediction tools (SIFT, PolyPhen2, Align GVGD, REVEL) provide contradictory results for the p.Ser342Phe substitution. This sequence change does not appear to have been previously described in individuals with HNF1B-related disorders, however, a different amino acid change affecting the same position, p.Ser342Phe, has been identified in the heterozygous state in an individual with congenital anomalies of the kidney and urinary tract (PMID: 24429398, 30143558). This p.Ser342Phe variant was inherited from the individual√¢‚Ç¨‚Ñ¢s mother with unknown phenotype. Due to insufficient evidences and the lack of functional studies, the clinical significance of the p.Ser342Phe change remains unknown at this time.

Illumina Laboratory Services, Illumina
Classification: Likely benign for Renal cysts and diabetes syndrome. Last evaluated: 2018-01-12. Review status: criteria provided, single submitter. Criteria: ICSL Variant Classification Criteria 13 December 2019. Collection method: clinical testing. Allele origin: germline.
Comment: This variant was observed in the ICSL laboratory as part of a predisposition screen in an ostensibly healthy population. It had not been previously curated by ICSL or reported in the Human Gene Mutation Database (HGMD: prior to June 1st, 2018), and was therefore a candidate for classification through an automated scoring system. Utilizing variant allele frequency, disease prevalence and penetrance estimates, and inheritance mode, an automated score was calculated to assess if this variant is too frequent to cause the disease. Based on the score and internal cut-off values, a variant classified as likely benign is not then subjected to further curation. The score for this variant resulted in a classification of likely benign for this disease.

Eurofins Ntd Llc (ga)
Classification: Uncertain significance. Last evaluated: 2016-02-29. Review status: criteria provided, single submitter. Criteria: EGL Classification Definitions 2015. Collection method: clinical testing. Allele origin: germline. Observed: 2 variant alleles, 2 heterozygotes.

Clinical Genomics, Uppaluri K&H Personalized Medicine Clinic
Classification: Uncertain risk allele for Maturity-onset diabetes of the young. Review status: criteria provided, single submitter. Criteria: K & H Uppaluri Personalized Medicine Clinic Variant Classification & Assertion Criteria_Updated V.1. Collection method: research. Allele origin: unknown. Inheritance: Autosomal dominant inheritance.
Comment: HNF1B gene mutations are associated with early onset diabetes and pancreatic atrophy. It is also associated with multiple renal manifestations including renal cysts, Tubulointerstitial disease, glomerulocystic disease, renal hypoplasia, hypomagnesemia. However no sufficient evidence is found to ascertain the role of this particular variant rs780035561, yet.

Literature cited by the submitters: PubMed 24897035 (cited by Clinical Genomics, Uppaluri K&H Personalized Medicine Clinic); PubMed 25536396 (cited by Clinical Genomics, Uppaluri K&H Personalized Medicine Clinic); PubMed 27615128 (cited by Clinical Genomics, Uppaluri K&H Personalized Medicine Clinic); PubMed 28215227 (cited by Clinical Genomics, Uppaluri K&H Personalized Medicine Clinic); PubMed 33434175 (cited by Clinical Genomics, Uppaluri K&H Personalized Medicine Clinic); PubMed 25741167 (cited by Clinical Genomics, Uppaluri K&H Personalized Medicine Clinic); PubMed 26340261 (cited by Clinical Genomics, Uppaluri K&H Personalized Medicine Clinic); PubMed 19639018 (cited by Clinical Genomics, Uppaluri K&H Personalized Medicine Clinic).

NM_000458.4(HNF1B):c.1025C>T (p.Ser342Phe)

Gene: HNF1B (HNF1 homeobox B; minus strand). Cytogenetic location: 17q12.
Variant type: single nucleotide variant.
Coding change: c.1025C>T on transcript NM_000458.4 (MANE Select); coding-DNA position 1025, C replaced by T.
Protein change: p.Ser342Phe; replaces serine 342 with phenylalanine.
Molecular consequence: missense variant.
Genome position (GRCh38, 1-based): chr17:37,731,615, G>A on the plus strand (C>T on the coding strand, the complement: HNF1B is on the minus strand). VCF-style: chr17-37731615-G-A. GRCh37 (hg19) VCF-style: chr17-36091606-G-A.
Other names: c.947C>T, p.Ser316Phe (NM_001165923.4, NM_001304286.2); c.1025C>T (NM_000458.3); short protein forms S342F, S316F.
Identifiers: ClinVar variation 286565 (VCV000286565.16), dbSNP rs780035561, ClinGen allele CA8518947.